The following is an entry in ClinVar:

ClinVar aggregate classification (germline): Pathogenic (1 of 4 stars; one submission).

Conditions:
Alagille syndrome due to a JAG1 point mutation. Also called: JAG1-Related Alagille Syndrome; HEPATIC DUCTULAR HYPOPLASIA, SYNDROMATIC; Alagille Syndrome 1. Identifiers: Orphanet 261619, Orphanet 52, MedGen C1956125, MONDO:0016862, OMIM 118450.

Submission:

Labcorp Genetics (formerly Invitae), Labcorp
Classification: Pathogenic for Alagille syndrome due to a JAG1 point mutation. Last evaluated: 2021-03-31. Review status: criteria provided, single submitter. Criteria: Invitae Variant Classification Sherloc (09022015). Collection method: clinical testing. Allele origin: germline.
Comment: This sequence change creates a premature translational stop signal (p.Tyr328*) in the JAG1 gene. It is expected to result in an absent or disrupted protein product. Loss-of-function variants in JAG1 are known to be pathogenic (PMID: 11180599). This variant is not present in population databases (ExAC no frequency). This variant has not been reported in the literature in individuals with JAG1-related conditions. For these reasons, this variant has been classified as Pathogenic.

Literature cited by the submitters: PubMed 11180599.

NM_000214.3(JAG1):c.984T>G (p.Tyr328Ter)

Gene: JAG1 (jagged canonical Notch ligand 1; minus strand). Cytogenetic location: 20p12.2.
Variant type: single nucleotide variant.
Coding change: c.984T>G on transcript NM_000214.3 (MANE Select); coding-DNA position 984, T replaced by G.
Protein change: p.Tyr328Ter; replaces tyrosine 328 with a stop codon.
Molecular consequence: nonsense.
Genome position (GRCh38, 1-based): chr20:10,652,153, A>C on the plus strand (T>G on the coding strand, the complement: JAG1 is on the minus strand). VCF-style: chr20-10652153-A-C. GRCh37 (hg19) VCF-style: chr20-10632801-A-C.
Other names: short protein forms Y328*.
Identifiers: ClinVar variation 1447998 (VCV001447998.1), dbSNP rs2122614368, ClinGen allele CA408238949.